The following is an entry in ClinVar:

NM_000256.3(MYBPC3):c.1335G>C (p.Thr445=)

Gene: MYBPC3 (myosin binding protein C3; minus strand). Cytogenetic location: 11p11.2.
Variant type: single nucleotide variant.
Coding change: c.1335G>C on transcript NM_000256.3 (MANE Select); coding-DNA position 1335, G replaced by C.
Protein change: p.Thr445=; no amino-acid change (threonine 445 retained).
Molecular consequence: synonymous variant.
Genome position (GRCh38, 1-based): chr11:47,343,037, C>G on the plus strand (G>C on the coding strand, the complement: MYBPC3 is on the minus strand). VCF-style: chr11-47343037-C-G. GRCh37 (hg19) VCF-style: chr11-47364588-C-G.
Other names: c.1335G>C, p.Thr445= (LRG_386t1).
Identifiers: ClinVar variation 633325 (VCV000633325.7), dbSNP rs727503205, ClinGen allele CA474429514.

ClinVar aggregate classification (germline): Conflicting classifications of pathogenicity. Review status: criteria provided, conflicting classifications (1 of 4 stars). 3 submissions from 3 submitters: Uncertain significance (1); Likely benign (2). Last evaluated 2023-10-06.

Conditions:
Hypertrophic cardiomyopathy. Also called: HYPERTROPHIC MYOCARDIOPATHY. Identifiers: Orphanet 217569, MedGen C0007194, MeSH D002312, MONDO:0005045, HP:0001639.

Submissions (3):

All of Us Research Program, National Institutes of Health
Classification: Uncertain significance for Hypertrophic cardiomyopathy. Last evaluated: 2023-10-06. Review status: criteria provided, single submitter. Criteria: ACMG Guidelines, 2015. Collection method: clinical testing. Allele origin: germline. Inheritance: Autosomal dominant inheritance. Observed: 1 variant allele, 1 heterozygote.
Comment: This variant is located in the MYBPC3 protein. To our knowledge, functional studies have not been reported for this variant. This variant has not been reported in individuals affected with MYBPC3-related disorders in the literature. This variant has been identified in 2/247462 chromosomes in the general population by the Genome Aggregation Database (gnomAD). The available evidence is insufficient to determine the role of this variant in disease conclusively. Therefore, this variant is classified as a Variant of Uncertain Significance.

This study involves interpretation of variants in research participants for the purpose of population health screening. Participant phenotype was not available at the time of variant classification. Additional details can be found in publication PMID: 35346344, PMCID: PMC8962531

Labcorp Genetics (formerly Invitae), Labcorp
Classification: Likely benign for Hypertrophic cardiomyopathy. Last evaluated: 2021-12-02. Review status: criteria provided, single submitter. Criteria: Invitae Variant Classification Sherloc (09022015). Collection method: clinical testing. Allele origin: germline.

Women's Health and Genetics/Laboratory Corporation of America, LabCorp
Classification: Likely benign. Last evaluated: 2019-08-29. Review status: criteria provided, single submitter. Criteria: LabCorp Variant Classification Summary - May 2015. Collection method: clinical testing. Allele origin: germline.